The following is an entry in ClinVar:

NM_014339.7(IL17RA):c.1387G>A (p.Ala463Thr)

Gene: IL17RA (interleukin 17 receptor A; plus strand). Cytogenetic location: 22q11.1.
Variant type: single nucleotide variant.
Coding change: c.1387G>A on transcript NM_014339.7 (MANE Select); coding-DNA position 1387, G replaced by A.
Protein change: p.Ala463Thr; replaces alanine 463 with threonine.
Molecular consequence: missense variant.
Genome position (GRCh38, 1-based): chr22:17,108,606, G>A. VCF-style: chr22-17108606-G-A. GRCh37 (hg19) VCF-style: chr22-17589496-G-A.
Other names: c.1285G>A, p.Ala429Thr (NM_001289905.2); short protein forms A429T, A463T.
Identifiers: ClinVar variation 1424682 (VCV001424682.7), dbSNP rs757649231, ClinGen allele CA10086736.

ClinVar aggregate classification (germline): Uncertain significance. Review status: criteria provided, multiple submitters, no conflicts (2 of 4 stars). 2 submissions from 2 submitters: Uncertain significance (2). Last evaluated 2022-07-06.

Conditions:
Immunodeficiency 51 (IMD51). Also called: CANDIDIASIS, FAMILIAL, 5. Identifiers: Orphanet 1334, MedGen C4310803, MONDO:0013500, OMIM 613953.

Allele frequency attached by ClinVar (database versions not stated): TOPMed below 0.00001.
gnomAD v4.1: 8 of 1,604,476 alleles (0.0005%); highest among the groups gnomAD compares: Non-Finnish European, 0.00068%; no homozygotes.

Submissions (2):

Labcorp Genetics (formerly Invitae), Labcorp
Classification: Uncertain significance for Immunodeficiency 51. Last evaluated: 2022-07-06. Review status: criteria provided, single submitter. Criteria: Invitae Variant Classification Sherloc (09022015). Collection method: clinical testing. Allele origin: germline.
Comment: In summary, the available evidence is currently insufficient to determine the role of this variant in disease. Therefore, it has been classified as a Variant of Uncertain Significance. Algorithms developed to predict the effect of missense changes on protein structure and function (SIFT, PolyPhen-2, Align-GVGD) all suggest that this variant is likely to be tolerated. ClinVar contains an entry for this variant (Variation ID: 1424682). This variant has not been reported in the literature in individuals affected with IL17RA-related conditions. This variant is present in population databases (rs757649231, gnomAD 0.002%). This sequence change replaces alanine, which is neutral and non-polar, with threonine, which is neutral and polar, at codon 463 of the IL17RA protein (p.Ala463Thr).

Breakthrough Genomics
Classification: Uncertain significance. Review status: criteria provided, single submitter. Criteria: ACMG Guidelines, 2015. Collection method: not provided. Allele origin: germline. Inheritance: Autosomal dominant inheritance. Affected: yes.